The following is an entry in ClinVar:

ClinVar aggregate classification (germline): Uncertain significance (1 of 4 stars; one submission).

Submission:

Ambry Genetics
Classification: Uncertain significance. Last evaluated: 2025-09-19. Review status: criteria provided, single submitter. Criteria: Ambry Variant Classification Scheme 2023. Collection method: clinical testing. Allele origin: germline.
Comment: The p.I24M variant (also known as c.72T>G), located in coding exon 1 of the TET2 gene, results from a T to G substitution at nucleotide position 72. The isoleucine at codon 24 is replaced by methionine, an amino acid with highly similar properties. This amino acid position is conserved. In addition, this alteration is predicted to be tolerated by in silico analysis. Based on the available evidence, the clinical significance of this variant remains unclear.

NM_001127208.3(TET2):c.72T>G (p.Ile24Met)

Genes: TET2 (tet methylcytosine dioxygenase 2; plus strand), TET2-AS1 (TET2 antisense RNA 1; minus strand). Cytogenetic location: 4q24.
Variant type: single nucleotide variant.
Coding change: c.72T>G on transcript NM_001127208.3 (MANE Select); coding-DNA position 72, T replaced by G.
Protein change: p.Ile24Met; replaces isoleucine 24 with methionine.
Molecular consequence: missense variant.
Genome position (GRCh38, 1-based): chr4:105,234,014, T>G. VCF-style: chr4-105234014-T-G. GRCh37 (hg19) VCF-style: chr4-106155171-T-G.
Other names: c.72T>G, p.Ile24Met (NM_017628.4); short protein forms I24M.
Identifiers: ClinVar variation 4594119 (VCV004594119.1).
Genomic context (GRCh38, chr4:105,234,014, plus strand): 5'-TAGAACCAACCATGTTGAGGGCAACAGACTAAGTCCATTCCTGATACCATCACCTCCCAT[T>G]TGCCAGACAGAACCTCTGGCTACAAAGCTCCAGAATGGAAGCCCACTGCCTGAGAGAGCT-3'
Protein context (NP_001120680.1, residues 14-34): LSPFLIPSPP[Ile24Met]CQTEPLATKL